The following is an entry in ClinVar:

NM_002047.4(GARS1):c.1622C>G (p.Thr541Arg)

Gene: GARS1 (glycyl-tRNA synthetase 1; plus strand). Cytogenetic location: 7p14.3.
Variant type: single nucleotide variant.
Coding change: c.1622C>G on transcript NM_002047.4 (MANE Select); coding-DNA position 1622, C replaced by G.
Protein change: p.Thr541Arg; replaces threonine 541 with arginine.
Molecular consequence: missense variant.
Genome position (GRCh38, 1-based): chr7:30,626,242, C>G. VCF-style: chr7-30626242-C-G. GRCh37 (hg19) VCF-style: chr7-30665858-C-G.
Other names: c.1460C>G, p.Thr487Arg (NM_001316772.1); short protein forms T487R, T541R.
Identifiers: ClinVar variation 810082 (VCV000810082.48), dbSNP rs745739050, ClinGen allele CA4206022.

ClinVar aggregate classification (germline): Uncertain significance. Review status: criteria provided, multiple submitters, no conflicts (2 of 4 stars). 2 submissions from 2 submitters: Uncertain significance (2). Last evaluated 2023-07-16.

Conditions:
Charcot-Marie-Tooth disease type 2. Also called: Charcot-Marie-Tooth type 2. Identifiers: Orphanet 64746, MedGen C0270914, MONDO:0018993.

Allele frequency attached by ClinVar (database versions not stated): gnomAD exomes below 0.00001 and 0.00001; ExAC 0.00001; TOPMed 0.00001.
gnomAD v4.1: 15 of 1,603,444 alleles (0.00094%); highest among the groups gnomAD compares: Non-Finnish European, 0.0011%; no homozygotes.

Submissions (2):

Labcorp Genetics (formerly Invitae), Labcorp
Classification: Uncertain significance for Charcot-Marie-Tooth disease type 2. Last evaluated: 2023-07-16. Review status: criteria provided, single submitter. Criteria: Invitae Variant Classification Sherloc (09022015). Collection method: clinical testing. Allele origin: germline.
Comment: This variant has not been reported in the literature in individuals affected with GARS-related conditions. This variant is present in population databases (rs745739050, gnomAD 0.0009%). This sequence change replaces threonine, which is neutral and polar, with arginine, which is basic and polar, at codon 541 of the GARS protein (p.Thr541Arg). ClinVar contains an entry for this variant (Variation ID: 810082). In summary, the available evidence is currently insufficient to determine the role of this variant in disease. Therefore, it has been classified as a Variant of Uncertain Significance. Advanced modeling of protein sequence and biophysical properties (such as structural, functional, and spatial information, amino acid conservation, physicochemical variation, residue mobility, and thermodynamic stability) performed at Invitae indicates that this missense variant is not expected to disrupt GARS protein function.

CeGaT Center for Human Genetics Tuebingen
Classification: Uncertain significance. Last evaluated: 2018-11-01. Review status: criteria provided, single submitter. Criteria: CeGaT Center For Human Genetics Tuebingen Variant Classification Criteria Version 2. Collection method: clinical testing. Allele origin: germline. Affected: yes. Observed: 1 variant allele.